The following is an entry in ClinVar:

ClinVar aggregate classification (germline): Uncertain significance. Review status: criteria provided, multiple submitters, no conflicts (2 of 4 stars). 2 submissions from 2 submitters: Uncertain significance (2). Last evaluated 2023-09-20.

Conditions:
Nephronophthisis 14 (NPHP14). Identifiers: Orphanet 2318, MedGen C3539071, MONDO:0013916, OMIM 614844.

Allele frequency attached by ClinVar (database versions not stated): ExAC 0.00001; TOPMed 0.00002; gnomAD 0.00003; gnomAD exomes 0.00004; ESP Exome Variant Server 0.00008.
gnomAD v4.1: 64 of 1,613,744 alleles (0.004%); highest among the groups gnomAD compares: Non-Finnish European, 0.0053%; no homozygotes.

Submissions (2):

Ambry Genetics
Classification: Uncertain significance. Last evaluated: 2023-09-20. Review status: criteria provided, single submitter. Criteria: Ambry Variant Classification Scheme 2023. Collection method: clinical testing. Allele origin: germline.

Labcorp Genetics (formerly Invitae), Labcorp
Classification: Uncertain significance for Nephronophthisis 14. Last evaluated: 2022-08-13. Review status: criteria provided, single submitter. Criteria: Invitae Variant Classification Sherloc (09022015). Collection method: clinical testing. Allele origin: germline.
Comment: In summary, the available evidence is currently insufficient to determine the role of this variant in disease. Therefore, it has been classified as a Variant of Uncertain Significance. Algorithms developed to predict the effect of missense changes on protein structure and function output the following: SIFT: "Tolerated"; PolyPhen-2: "Benign"; Align-GVGD: "Class C0". The threonine amino acid residue is found in multiple mammalian species, which suggests that this missense change does not adversely affect protein function. This variant has not been reported in the literature in individuals affected with ZNF423-related conditions. This variant is present in population databases (rs370557417, gnomAD 0.008%). This sequence change replaces alanine, which is neutral and non-polar, with threonine, which is neutral and polar, at codon 849 of the ZNF423 protein (p.Ala849Thr).

NM_001379286.1(ZNF423):c.2569G>A (p.Ala857Thr)

Gene: ZNF423 (zinc finger protein 423; minus strand). Cytogenetic location: 16q12.1.
Variant type: single nucleotide variant.
Coding change: c.2569G>A on transcript NM_001379286.1 (MANE Select); coding-DNA position 2569, G replaced by A.
Protein change: p.Ala857Thr; replaces alanine 857 with threonine.
Molecular consequence: missense variant.
Genome position (GRCh38, 1-based): chr16:49,636,607, C>T on the plus strand (G>A on the coding strand, the complement: ZNF423 is on the minus strand). VCF-style: chr16-49636607-C-T. GRCh37 (hg19) VCF-style: chr16-49670518-C-T.
Other names: c.2545G>A (NM_015069.2); c.2365G>A, p.Ala789Thr (NM_001271620.2); c.2194G>A, p.Ala732Thr (NM_001330533.2); c.2545G>A, p.Ala849Thr (NM_015069.5); short protein forms A849T, A789T, A857T, A732T.
Identifiers: ClinVar variation 2145308 (VCV002145308.5), dbSNP rs370557417, ClinGen allele CA8046478.
Genomic context (GRCh38, chr16:49,636,607, plus strand): 5'-GTGCCTCAGGGTTCTTAAGCAGCATGCCCTGCAGGTCAGCAGGCTCAGCTTTCTTGGTGG[C>T]CATTGGGGGTACCCCATTGGCCGTGCCGTTCTCGGTCGCAGCATCAAACACACAGTGCTT-3'
Protein context (NP_001366215.1, residues 847-867): NGTANGVPPM[Ala857Thr]TKKAEPADLQ